The following is an entry in ClinVar:

ClinVar aggregate classification (germline): Uncertain significance (1 of 4 stars; one submission).

Conditions:
Dilated cardiomyopathy 1G (CMD1G). Identifiers: Orphanet 154, MedGen C1858763, MONDO:0011400, OMIM 604145.
Autosomal recessive limb-girdle muscular dystrophy type 2J (LGMDR10). Also called: Limb-girdle muscular dystrophy, type 2J; MUSCULAR DYSTROPHY, LIMB-GIRDLE, AUTOSOMAL RECESSIVE 10. Identifiers: Orphanet 140922, MedGen C1837342, MONDO:0012127, OMIM 608807.

Submission:

Labcorp Genetics (formerly Invitae), Labcorp
Classification: Uncertain significance for Dilated cardiomyopathy 1G; Autosomal recessive limb-girdle muscular dystrophy type 2J. Last evaluated: 2021-09-15. Review status: criteria provided, single submitter. Criteria: Invitae Variant Classification Sherloc (09022015). Collection method: clinical testing. Allele origin: germline.
Comment: This variant is located in the A band of TTN (PMID: 25589632). Variants in this region may be relevant for cardiac or neuromuscular disorders (PMID: 25589632, 23975875). In summary, the available evidence is currently insufficient to determine the role of this variant in disease. Therefore, it has been classified as a Variant of Uncertain Significance. Variants that disrupt the consensus splice site are a relatively common cause of aberrant splicing (PMID: 17576681, 9536098). Algorithms developed to predict the effect of sequence changes on RNA splicing suggest that this variant may disrupt the consensus splice site. This variant has not been reported in the literature in individuals affected with TTN-related conditions. This variant is not present in population databases (ExAC no frequency). This sequence change falls in intron 332 of the TTN gene. It does not directly change the encoded amino acid sequence of the TTN protein. It affects a nucleotide within the consensus splice site of the intron.

Literature cited by the submitters: PubMed 25589632; PubMed 23975875; PubMed 17576681; PubMed 9536098.

NM_001267550.2(TTN):c.88894+5G>A

Genes: TTN (titin; minus strand), TTN-AS1 (TTN antisense RNA 1; plus strand). Cytogenetic location: 2q31.2.
Variant type: single nucleotide variant.
Coding change: c.88894+5G>A on transcript NM_001267550.2 (MANE Select); 5 bases into the intron after coding-DNA position 88894, G replaced by A.
Molecular consequence: intron variant.
Genome position (GRCh38, 1-based): chr2:178,554,448, C>T on the plus strand (G>A on the coding strand, the complement: TTN is on the minus strand). VCF-style: chr2-178554448-C-T. GRCh37 (hg19) VCF-style: chr2-179419175-C-T.
Other names: c.61699+5G>A (NM_003319.4); c.62275+5G>A (NM_133437.4); c.62074+5G>A (NM_133432.3); c.81190+5G>A (NM_133378.4); c.83971+5G>A (NM_001256850.1).
Identifiers: ClinVar variation 1393487 (VCV001393487.6), dbSNP rs2154152920, ClinGen allele CA2573134107.